The following is an entry in ClinVar:

ClinVar aggregate classification (germline): Uncertain significance (1 of 4 stars; one submission).

Conditions:
Hereditary sensory and autonomic neuropathy type 1 (HSAN1). Also called: HSAN 1; HSN Type I; Hereditary Sensory Neuropathy Type I. Identifiers: Orphanet 36386, MedGen C0020071, MONDO:0018213.

Allele frequency attached by ClinVar (database versions not stated): gnomAD exomes below 0.00001.
gnomAD v4.1: 3 of 1,611,996 alleles (0.00019%); highest among the groups gnomAD compares: South Asian, 0.0011%; no homozygotes.

Submission:

Labcorp Genetics (formerly Invitae), Labcorp
Classification: Uncertain significance for Hereditary sensory and autonomic neuropathy type 1. Last evaluated: 2023-02-18. Review status: criteria provided, single submitter. Criteria: Invitae Variant Classification Sherloc (09022015). Collection method: clinical testing. Allele origin: germline.
Comment: In summary, the available evidence is currently insufficient to determine the role of this variant in disease. Therefore, it has been classified as a Variant of Uncertain Significance. Advanced modeling of protein sequence and biophysical properties (such as structural, functional, and spatial information, amino acid conservation, physicochemical variation, residue mobility, and thermodynamic stability) performed at Invitae indicates that this missense variant is not expected to disrupt SPTLC1 protein function. This variant has not been reported in the literature in individuals affected with SPTLC1-related conditions. This variant is not present in population databases (gnomAD no frequency). This sequence change replaces isoleucine, which is neutral and non-polar, with threonine, which is neutral and polar, at codon 300 of the SPTLC1 protein (p.Ile300Thr).

NM_006415.4(SPTLC1):c.899T>C (p.Ile300Thr)

Gene: SPTLC1 (serine palmitoyltransferase long chain base subunit 1; minus strand). Cytogenetic location: 9q22.31.
Variant type: single nucleotide variant.
Coding change: c.899T>C on transcript NM_006415.4 (MANE Select); coding-DNA position 899, T replaced by C.
Protein change: p.Ile300Thr; replaces isoleucine 300 with threonine.
Molecular consequence: missense variant.
Genome position (GRCh38, 1-based): chr9:92,047,698, A>G on the plus strand (T>C on the coding strand, the complement: SPTLC1 is on the minus strand). VCF-style: chr9-92047698-A-G. GRCh37 (hg19) VCF-style: chr9-94809980-A-G.
Other names: c.899T>C, p.Ile300Thr (NM_001281303.2); c.533T>C, p.Ile178Thr (NM_001368272.1); c.434T>C, p.Ile145Thr (NM_001368273.1); short protein forms I300T, I145T, I178T.
Identifiers: ClinVar variation 2100834 (VCV002100834.4), dbSNP rs2538400510, ClinGen allele CA373792884.